The following is an entry in ClinVar:

ClinVar aggregate classification (germline): Uncertain significance (1 of 4 stars; one submission).

Allele frequency attached by ClinVar (database versions not stated): gnomAD 0.00001; TOPMed 0.00001; ExAC 0.00002; ESP Exome Variant Server 0.00008.
gnomAD v4.1: 26 of 1,613,710 alleles (0.0016%); highest among the groups gnomAD compares: Non-Finnish European, 0.0019%; no homozygotes.

Submission:

Labcorp Genetics (formerly Invitae), Labcorp
Classification: Uncertain significance. Last evaluated: 2024-10-22. Review status: criteria provided, single submitter. Criteria: Invitae Variant Classification Sherloc (09022015). Collection method: clinical testing. Allele origin: germline.
Comment: This sequence change replaces arginine, which is basic and polar, with cysteine, which is neutral and slightly polar, at codon 377 of the COL9A1 protein (p.Arg377Cys). This variant is present in population databases (rs372232825, gnomAD 0.003%). This variant has not been reported in the literature in individuals affected with COL9A1-related conditions. ClinVar contains an entry for this variant (Variation ID: 1900736). Invitae Evidence Modeling of protein sequence and biophysical properties (such as structural, functional, and spatial information, amino acid conservation, physicochemical variation, residue mobility, and thermodynamic stability) indicates that this missense variant is not expected to disrupt COL9A1 protein function with a negative predictive value of 95%. In summary, the available evidence is currently insufficient to determine the role of this variant in disease. Therefore, it has been classified as a Variant of Uncertain Significance.

NM_001851.6(COL9A1):c.1129C>T (p.Arg377Cys)

Gene: COL9A1 (collagen type IX alpha 1 chain; minus strand). Cytogenetic location: 6q13.
Variant type: single nucleotide variant.
Coding change: c.1129C>T on transcript NM_001851.6 (MANE Select); coding-DNA position 1129, C replaced by T.
Protein change: p.Arg377Cys; replaces arginine 377 with cysteine.
Molecular consequence: missense variant. On other transcripts: non-coding transcript variant (1).
Genome position (GRCh38, 1-based): chr6:70,271,669, G>A on the plus strand (C>T on the coding strand, the complement: COL9A1 is on the minus strand). VCF-style: chr6-70271669-G-A. GRCh37 (hg19) VCF-style: chr6-70981372-G-A.
Other names: c.400C>T, p.Arg134Cys (NM_001377289.1, NM_001377290.1, NM_078485.4); short protein forms R134C, R377C.
Identifiers: ClinVar variation 1900736 (VCV001900736.3), dbSNP rs372232825, ClinGen allele CA3882400.